The following is an entry in ClinVar:

NM_015459.5(ATL3):c.1598G>A (p.Arg533Lys)

Genes: ATL3 (atlastin GTPase 3; minus strand), LNCROPM (lncRNA regulator of PLAAT3 mediated phospholipid metabolism; plus strand). Cytogenetic location: 11q13.1.
Variant type: single nucleotide variant.
Coding change: c.1598G>A on transcript NM_015459.5 (MANE Select); coding-DNA position 1598, G replaced by A.
Protein change: p.Arg533Lys; replaces arginine 533 with lysine.
Molecular consequence: missense variant.
Genome position (GRCh38, 1-based): chr11:63,629,347, C>T on the plus strand (G>A on the coding strand, the complement: ATL3 is on the minus strand). VCF-style: chr11-63629347-C-T. GRCh37 (hg19) VCF-style: chr11-63396819-C-T.
Other names: c.1544G>A, p.Arg515Lys (NM_001290048.2); short protein forms R533K, R515K.
Identifiers: ClinVar variation 837342 (VCV000837342.9), dbSNP rs1939228744, ClinGen allele CA381023775.

ClinVar aggregate classification (germline): Uncertain significance (1 of 4 stars; one submission).

Conditions:
Neuropathy, hereditary sensory, type 1F. Also called: HSN IF; Hereditary sensory neuropathy type IF. Identifiers: Orphanet 36386, MedGen C3810194, MONDO:0014286, OMIM 615632.

Allele frequency attached by ClinVar (database versions not stated): gnomAD exomes below 0.00001.

Submission:

Labcorp Genetics (formerly Invitae), Labcorp
Classification: Uncertain significance for Neuropathy, hereditary sensory, type 1F. Last evaluated: 2024-04-20. Review status: criteria provided, single submitter. Criteria: Invitae Variant Classification Sherloc (09022015). Collection method: clinical testing. Allele origin: germline.
Comment: This sequence change replaces arginine, which is basic and polar, with lysine, which is basic and polar, at codon 533 of the ATL3 protein (p.Arg533Lys). This variant is not present in population databases (gnomAD no frequency). This variant has not been reported in the literature in individuals affected with ATL3-related conditions. ClinVar contains an entry for this variant (Variation ID: 837342). Algorithms developed to predict the effect of missense changes on protein structure and function output the following: SIFT: "Not Available"; PolyPhen-2: "Benign"; Align-GVGD: "Not Available". The lysine amino acid residue is found in multiple mammalian species, which suggests that this missense change does not adversely affect protein function. In summary, the available evidence is currently insufficient to determine the role of this variant in disease. Therefore, it has been classified as a Variant of Uncertain Significance.